The following is an entry in ClinVar:

NM_001128840.3(CACNA1D):c.2326A>G (p.Lys776Glu)

Gene: CACNA1D (calcium voltage-gated channel subunit alpha1 D; plus strand). Cytogenetic location: 3p21.1.
Variant type: single nucleotide variant.
Coding change: c.2326A>G on transcript NM_001128840.3 (MANE Select); coding-DNA position 2326, A replaced by G.
Protein change: p.Lys776Glu; replaces lysine 776 with glutamic acid.
Molecular consequence: missense variant.
Genome position (GRCh38, 1-based): chr3:53,730,546, A>G. VCF-style: chr3-53730546-A-G. GRCh37 (hg19) VCF-style: chr3-53764573-A-G.
Other names: c.2386A>G, p.Lys796Glu (NM_000720.4); c.2326A>G, p.Lys776Glu (NM_001128839.3); short protein forms K776E, K796E.
Identifiers: ClinVar variation 3612300 (VCV003612300.2).

ClinVar aggregate classification (germline): Uncertain significance (1 of 4 stars; one submission).

gnomAD v4.1: 1 of 1,612,466 alleles (0.000062%); highest among the groups gnomAD compares: Admixed American, 0.0017%; no homozygotes.

Submission:

Labcorp Genetics (formerly Invitae), Labcorp
Classification: Uncertain significance. Last evaluated: 2024-11-03. Review status: criteria provided, single submitter. Criteria: Invitae Variant Classification Sherloc (09022015). Collection method: clinical testing. Allele origin: germline.
Comment: This sequence change replaces lysine, which is basic and polar, with glutamic acid, which is acidic and polar, at codon 796 of the CACNA1D protein (p.Lys796Glu). This variant is not present in population databases (gnomAD no frequency). This variant has not been reported in the literature in individuals affected with CACNA1D-related conditions. Invitae Evidence Modeling of protein sequence and biophysical properties (such as structural, functional, and spatial information, amino acid conservation, physicochemical variation, residue mobility, and thermodynamic stability) indicates that this missense variant is not expected to disrupt CACNA1D protein function with a negative predictive value of 80%. In summary, the available evidence is currently insufficient to determine the role of this variant in disease. Therefore, it has been classified as a Variant of Uncertain Significance.